The following is an entry in ClinVar:

ClinVar aggregate classification (germline): Pathogenic (1 of 4 stars; one submission).

Submission:

Labcorp Genetics (formerly Invitae), Labcorp
Classification: Pathogenic. Last evaluated: 2026-01-11. Review status: criteria provided, single submitter. Criteria: Invitae Variant Classification Sherloc (09022015). Collection method: clinical testing. Allele origin: germline.
Comment: This sequence change creates a premature translational stop signal (p.Asp1007Glyfs*85) in the ZNF469 gene. While this is not anticipated to result in nonsense mediated decay, it is expected to disrupt the last 2947 amino acid(s) of the ZNF469 protein. This variant is not present in population databases (gnomAD no frequency). This variant has not been reported in the literature in individuals affected with ZNF469-related conditions. This variant disrupts a region of the ZNF469 protein in which other variant(s) (p.Pro3556Glnfs*136) have been determined to be pathogenic (PMID: 32671420). This suggests that this is a clinically significant region of the protein, and that variants that disrupt it are likely to be disease-causing. For these reasons, this variant has been classified as Pathogenic.

Literature cited by the submitters: PubMed 32671420.

NM_001367624.2(ZNF469):c.3001_3019dup (p.Asp1007fs)

Gene: ZNF469 (zinc finger protein 469; plus strand). Cytogenetic location: 16q24.2.
Variant type: Duplication.
Coding change: c.3001_3019dup on transcript NM_001367624.2 (MANE Select); coding-DNA positions 3001 to 3019, 19 bases duplicated (GCCCCCGGGAGCCGCGCAG).
Protein change: p.Asp1007fs; shifts the reading frame from aspartic acid 1007.
Molecular consequence: frameshift variant.
Genome position (GRCh38, 1-based): chr16:88,430,471-88,430,489, GCCCCCGGGAGCCGCGCAG duplicated; duplicating any 19 consecutive bases within chr16:88,430,466-88,430,489 gives the same sequence; the c. name uses the placement nearest the transcript's 3' end. VCF-style (leftmost placement, unchanged base first): chr16-88430465-A-ACGCAGGCCCCCGGGAGCCG. GRCh37 (hg19) VCF-style: chr16-88496873-A-ACGCAGGCCCCCGGGAGCCG.
Other names: short protein forms D1007fs.
Identifiers: ClinVar variation 4759565 (VCV004759565.1).